The following is an entry in ClinVar:

NM_000264.5(PTCH1):c.278_282del (p.Tyr93fs)

Gene: PTCH1 (patched 1; minus strand). Cytogenetic location: 9q22.32.
Variant type: Deletion.
Coding change: c.278_282del on transcript NM_000264.5 (MANE Select); coding-DNA positions 278 to 282, 5 bases deleted (ACATT; older notation c.278_282delACATT).
Protein change: p.Tyr93fs; shifts the reading frame from tyrosine 93.
Molecular consequence: frameshift variant. On other transcripts: 5 prime UTR variant (4), non-coding transcript variant (1).
Genome position (GRCh38, 1-based): chr9:95,506,519-95,506,523, AATGT deleted on the plus strand (ACATT on the coding strand, the reverse complement: PTCH1 is on the minus strand); deleting any 5 consecutive bases within chr9:95,506,519-95,506,525 gives the same sequence; the c. name uses the placement nearest the transcript's 3' end. VCF-style (leftmost placement, unchanged base first): chr9-95506518-GAATGT-G. GRCh37 (hg19) VCF-style: chr9-98268800-GAATGT-G.
Other names: c.278_282delACATT (NM_000264.3); c.80_84del, p.Tyr27fs (NM_001083602.3, NM_001354919.2); c.275_279del, p.Tyr92fs (NM_001083603.3); c.-176_-172del (NM_001083604.3, NM_001083605.3, NM_001083606.3 and 1 more transcripts); c.278_282del, p.Tyr93fs (NM_001354918.2); short protein forms Y93fs, Y27fs, Y92fs.
Identifiers: ClinVar variation 3220604 (VCV003220604.1), dbSNP rs2538383618, ClinGen allele CA2825001648.

ClinVar aggregate classification (germline): Pathogenic (1 of 4 stars; one submission).

Conditions:
Hereditary cancer-predisposing syndrome. Also called: Tumor predisposition; Hereditary neoplastic syndrome; Hereditary Cancer Syndrome; Neoplastic Syndromes, Hereditary. Identifiers: Orphanet 140162, MedGen C0027672, MeSH D009386, MONDO:0015356.

Submission:

Ambry Genetics
Classification: Pathogenic for Hereditary cancer-predisposing syndrome. Last evaluated: 2024-03-13. Review status: criteria provided, single submitter. Criteria: Ambry Variant Classification Scheme 2023. Collection method: clinical testing. Allele origin: germline.
Comment: The c.278_282delACATT (p.Y93Sfs*45) alteration, located in exon 2 (coding exon 2) of the PTCH1 gene, consists of a deletion of 5 nucleotides from position 278 to 282, causing a translational frameshift with a predicted alternate stop codon after 45 amino acids. This alteration is expected to result in loss of function by premature protein truncation or nonsense-mediated mRNA decay. This variant was not reported in population-based cohorts in the Genome Aggregation Database (gnomAD). Based on the available evidence, this alteration is classified as pathogenic.